The following is an entry in ClinVar:

ClinVar aggregate classification (germline): Uncertain significance. Review status: criteria provided, multiple submitters, no conflicts (2 of 4 stars). 2 submissions from 2 submitters: Uncertain significance (2). Last evaluated 2026-01-25.

Conditions:
Inborn genetic diseases. Identifiers: MedGen C0950123, MeSH D030342.

Allele frequency attached by ClinVar (database versions not stated): ExAC 0.00001; gnomAD 0.00001; gnomAD exomes 0.00002; TOPMed 0.00002.
gnomAD v4.1: 37 of 1,612,450 alleles (0.0023%); highest among the groups gnomAD compares: South Asian, 0.0033%; 1 homozygote.

Submissions (2):

Labcorp Genetics (formerly Invitae), Labcorp
Classification: Uncertain significance. Last evaluated: 2026-01-25. Review status: criteria provided, single submitter. Criteria: Invitae Variant Classification Sherloc (09022015). Collection method: clinical testing. Allele origin: germline.
Comment: This sequence change replaces alanine, which is neutral and non-polar, with threonine, which is neutral and polar, at codon 632 of the TNNI3K protein (p.Ala632Thr). This variant is present in population databases (rs199782389, gnomAD 0.003%). This variant has not been reported in the literature in individuals affected with TNNI3K-related conditions. ClinVar contains an entry for this variant (Variation ID: 2075173). An algorithm developed to predict the effect of missense changes on protein structure and function (PolyPhen-2) suggests that this variant is likely to be disruptive. In summary, the available evidence is currently insufficient to determine the role of this variant in disease. Therefore, it has been classified as a Variant of Uncertain Significance.

Ambry Genetics
Classification: Uncertain significance for Inborn genetic diseases. Last evaluated: 2024-12-10. Review status: criteria provided, single submitter. Criteria: Ambry Variant Classification Scheme 2023. Collection method: clinical testing. Allele origin: germline.

NM_015978.3(TNNI3K):c.1894G>A (p.Ala632Thr)

Genes: TNNI3K (TNNI3 interacting kinase; plus strand), FPGT-TNNI3K (FPGT-TNNI3K readthrough; plus strand). Cytogenetic location: 1p31.1.
Variant type: single nucleotide variant.
Coding change: c.1894G>A on transcript NM_015978.3 (MANE Select); coding-DNA position 1894, G replaced by A.
Protein change: p.Ala632Thr; replaces alanine 632 with threonine.
Molecular consequence: missense variant.
Genome position (GRCh38, 1-based): chr1:74,439,505, G>A. VCF-style: chr1-74439505-G-A. GRCh37 (hg19) VCF-style: chr1-74905189-G-A.
Other names: c.2197G>A, p.Ala733Thr (NM_001112808.3, NM_001199327.2); c.1894G>A (NM_015978.2); short protein forms A733T, A632T.
Identifiers: ClinVar variation 2075173 (VCV002075173.5), dbSNP rs199782389, ClinGen allele CA909507.